The following is an entry in ClinVar:

ClinVar aggregate classification (germline): Likely benign (1 of 4 stars; one submission).

Conditions:
Growth delay due to insulin-like growth factor I resistance. Also called: Somatomedin end-organ insensitivity to; Somatomedin-c resistance to; IGF-1 resistance; IGF-I RESISTANCE; Insulin-Like Growth Factor I Resistance. Identifiers: Orphanet 73273, MedGen C1849157, MONDO:0010038, OMIM 270450.

Allele frequency attached by ClinVar (database versions not stated): gnomAD exomes 0.00064; gnomAD 0.00253 and 0.00275; TOPMed 0.00314; 1000 Genomes Project 30x 0.00344; 1000 Genomes Project 0.00419.
gnomAD v4.1: 446 of 241,860 alleles (0.18%); highest among the groups gnomAD compares: African/African-American, 0.88%; 2 homozygotes.

Submission:

Illumina Laboratory Services, Illumina
Classification: Likely benign for Growth delay due to insulin-like growth factor I resistance. Last evaluated: 2018-01-13. Review status: criteria provided, single submitter. Criteria: ICSL Variant Classification Criteria 13 December 2019. Collection method: clinical testing. Allele origin: germline.
Comment: This variant was observed in the ICSL laboratory as part of a predisposition screen in an ostensibly healthy population. It had not been previously curated by ICSL or reported in the Human Gene Mutation Database (HGMD: prior to June 1st, 2018), and was therefore a candidate for classification through an automated scoring system. Utilizing variant allele frequency, disease prevalence and penetrance estimates, and inheritance mode, an automated score was calculated to assess if this variant is too frequent to cause the disease. Based on the score and internal cut-off values, a variant classified as likely benign is not then subjected to further curation. The score for this variant resulted in a classification of likely benign for this disease.

NM_000875.5(IGF1R):c.*458G>A

Gene: IGF1R (insulin like growth factor 1 receptor; plus strand). Cytogenetic location: 15q26.3.
Variant type: single nucleotide variant.
Coding change: c.*458G>A on transcript NM_000875.5 (MANE Select); 458 bases downstream of the stop codon, G replaced by A.
Molecular consequence: 3 prime UTR variant.
Genome position (GRCh38, 1-based): chr15:98,957,900, G>A. VCF-style: chr15-98957900-G-A. GRCh37 (hg19) VCF-style: chr15-99501129-G-A.
Other names: c.*458G>A (NM_001291858.2).
Identifiers: ClinVar variation 885825 (VCV000885825.4), dbSNP rs35109554, ClinGen allele CA275333813.
Genomic context (GRCh38, chr15:98,957,900, plus strand): 5'-TTTGAGGAAGTGGCTGTCCCTGTGGCCCCATCCAACCACTGTACACACCCGCCTGACACC[G>A]TGGGTCATTACAAAAAAACACGTGGAGATGGAAATTTTTACCTTTATCTTTCACCTTTCT-3'